The following is an entry in ClinVar:

ClinVar aggregate classification (somatic clinical impact): Tier I - Strong (1 of 4 stars; one submission).

Conditions:
Pineal parenchymal tumor of intermediate differentiation. Identifiers: Orphanet 251919, MedGen C1367859, MONDO:0006369.

Submission:

Institute for Genomic Medicine (IGM) Clinical Laboratory, Nationwide Children's Hospital
Classification: Tier I - Strong for Pineal parenchymal tumor of intermediate differentiation. Assertion type: diagnostic. Clinical significance: supports diagnosis. Last evaluated: 2023-12-26. Review status: criteria provided, single submitter. Criteria: AMP/ASCO/CAP Guidelines, 2017. Collection method: clinical testing. Allele origin: somatic. Affected: yes.
Comment: Variant has Tier I (strong) clinical significance as a diagnostic inclusion criterion in pineal parenchymal tumor of intermediate differentiation, based on the following evidence: 1) Diagnostic for a specific tumor type/classification according to professional guidelines (Evidence Level A; PMIDs: 35379950, 31768671).

Literature cited by the submitters: PubMed 35379950; PubMed 31768671.

NM_018095.6(KBTBD4):c.931_939dup (p.Arg313_Met314insProArgArg)

Gene: KBTBD4 (kelch repeat and BTB domain containing 4; minus strand). Cytogenetic location: 11p11.2.
Variant type: Duplication.
Coding change: c.931_939dup on transcript NM_018095.6 (MANE Select); coding-DNA positions 931 to 939, 9 bases duplicated (CCACGGCGC; older notation c.931_939dupCCACGGCGC).
Protein change: p.Arg313_Met314insProArgArg.
Genome position (GRCh38, 1-based): chr11:47,573,596-47,573,604, GCGCCGTGG duplicated on the plus strand (CCACGGCGC on the coding strand, the reverse complement: KBTBD4 is on the minus strand); duplicating any 9 consecutive bases within chr11:47,573,596-47,573,605 gives the same sequence; the c. name uses the placement nearest the transcript's 3' end. VCF-style (leftmost placement, unchanged base first): chr11-47573595-T-TGCGCCGTGG. GRCh37 (hg19) VCF-style: chr11-47595147-T-TGCGCCGTGG.
Other names: c.1030_1038dup, p.Arg346_Met347insProArgArg (NM_001318716.2); c.1000_1008dup, p.Arg336_Met337insProArgArg (NM_001318717.2); c.958_966dup, p.Arg322_Met323insProArgArg (NM_001318718.2, NM_001318719.2); c.952_960dup, p.Arg320_Met321insProArgArg (NM_001318720.2); c.883_891dup, p.Arg297_Met298insProArgArg (NM_001318721.2, NM_001318722.2, NM_001318723.2 and 3 more transcripts).
Identifiers: ClinVar variation 4530471 (VCV004530471.1).